The following is an entry in ClinVar:

NM_006086.4(TUBB3):c.640A>G (p.Thr214Ala)

Gene: TUBB3 (tubulin beta 3 class III; plus strand). Cytogenetic location: 16q24.3.
Variant type: single nucleotide variant.
Coding change: c.640A>G on transcript NM_006086.4 (MANE Select); coding-DNA position 640, A replaced by G.
Protein change: p.Thr214Ala; replaces threonine 214 with alanine.
Molecular consequence: missense variant.
Genome position (GRCh38, 1-based): chr16:89,935,091, A>G. VCF-style: chr16-89935091-A-G. GRCh37 (hg19) VCF-style: chr16-90001499-A-G.
Other names: c.640A>G (NM_006086.3); c.424A>G, p.Thr142Ala (NM_001197181.2); short protein forms T142A, T214A.
Identifiers: ClinVar variation 3383009 (VCV003383009.3).
Genomic context (GRCh38, chr16:89,935,091, plus strand): 5'-GAGAACACGGATGAGACCTACTGCATCGACAACGAGGCGCTCTACGACATCTGCTTCCGC[A>G]CCCTCAAGCTGGCCACGCCCACCTACGGGGACCTCAACCACCTGGTATCGGCCACCATGA-3'
Protein context (NP_006077.2, residues 204-224): NEALYDICFR[Thr214Ala]LKLATPTYGD

ClinVar aggregate classification (germline): Uncertain significance. Review status: criteria provided, multiple submitters, no conflicts (2 of 4 stars). 2 submissions from 2 submitters: Uncertain significance (2). Last evaluated 2025-08-16.

Conditions:
Complex cortical dysplasia with other brain malformations 1. Identifiers: Orphanet 300570, MedGen C3808397, MONDO:0013541, OMIM 614039.
Fibrosis of extraocular muscles, congenital, 3A, with or without extraocular involvement. Also called: CONGENITAL FIBROSIS OF EXTRAOCULAR MUSCLES 3A; FEOM3 LOCUS. Identifiers: MedGen C2748801, MONDO:0010912, OMIM 600638.

Submissions (2):

GeneDx
Classification: Uncertain significance. Last evaluated: 2025-08-16. Review status: criteria provided, single submitter. Criteria: GeneDx Variant Classification Process June 2021. Collection method: clinical testing. Allele origin: germline. Affected: yes.
Comment: Not observed at significant frequency in large population cohorts (gnomAD); Missense variants in this gene are a common cause of disease and they are underrepresented in the general population; In silico analysis supports that this missense variant has a deleterious effect on protein structure/function; Has not been previously published as pathogenic or benign to our knowledge; This variant is associated with the following publications: (PMID: 20829227)

Juno Genomics, Hangzhou Juno Genomics, Inc
Classification: Uncertain significance for Complex cortical dysplasia with other brain malformations 1; Fibrosis of extraocular muscles, congenital, 3A, with or without extraocular involvement. Review status: criteria provided, single submitter. Criteria: ACMG Guidelines, 2015. Collection method: clinical testing. Allele origin: germline. Affected: yes.
Comment: Absent from controls (or at extremely low frequency if recessive) in Genome Aggregation Database, Exome Sequencing Project, 1000 Genomes Project, or Exome Aggregation Consortium.;Multiple lines of computational evidence support a deleterious effect on the gene or gene product (conservation, evolutionary, splicing impact, etc).